The following is an entry in ClinVar:

ClinVar aggregate classification (germline): Uncertain significance (1 of 4 stars; one submission).

Conditions:
Autoimmune lymphoproliferative syndrome type 2A (ALPS2A). Also called: CASP10-Related Autoimmune Lymphoproliferative Syndrome; Autoimmune lymphoproliferative syndrome type 2; AUTOIMMUNE LYMPHOPROLIFERATIVE SYNDROME, TYPE IIA. Identifiers: Orphanet 3261, MedGen C1858968, MONDO:0011383, OMIM 603909.

Submission:

Labcorp Genetics (formerly Invitae), Labcorp
Classification: Uncertain significance for Autoimmune lymphoproliferative syndrome type 2A. Last evaluated: 2024-02-26. Review status: criteria provided, single submitter. Criteria: Invitae Variant Classification Sherloc (09022015). Collection method: clinical testing. Allele origin: germline.
Comment: This sequence change replaces arginine, which is basic and polar, with glutamine, which is neutral and polar, at codon 87 of the CASP10 protein (p.Arg87Gln). This variant is not present in population databases (gnomAD no frequency). This variant has not been reported in the literature in individuals affected with CASP10-related conditions. ClinVar contains an entry for this variant (Variation ID: 1997153). Advanced modeling of protein sequence and biophysical properties (such as structural, functional, and spatial information, amino acid conservation, physicochemical variation, residue mobility, and thermodynamic stability) performed at Invitae indicates that this missense variant is not expected to disrupt CASP10 protein function with a negative predictive value of 80%. In summary, the available evidence is currently insufficient to determine the role of this variant in disease. Therefore, it has been classified as a Variant of Uncertain Significance.

NM_032977.4(CASP10):c.260G>A (p.Arg87Gln)

Gene: CASP10 (caspase 10; plus strand). Cytogenetic location: 2q33.1.
Variant type: single nucleotide variant.
Coding change: c.260G>A on transcript NM_032977.4 (MANE Select); coding-DNA position 260, G replaced by A.
Protein change: p.Arg87Gln; replaces arginine 87 with glutamine.
Molecular consequence: missense variant.
Genome position (GRCh38, 1-based): chr2:201,186,037, G>A. VCF-style: chr2-201186037-G-A. GRCh37 (hg19) VCF-style: chr2-202050760-G-A.
Other names: c.260G>A, p.Arg87Gln (NM_001206524.2, NM_001206542.2, NM_001230.5 and 3 more transcripts); short protein forms R87Q.
Identifiers: ClinVar variation 1997153 (VCV001997153.4), dbSNP rs1270547676, ClinGen allele CA350277929.
Genomic context (GRCh38, chr2:201,186,037, plus strand): 5'-CAGAGGATCTGCTGAGTGAGGAAGACCCTTTCTTCCTGGCAGAACTCCTCTATATCATAC[G>A]GCAGAAGAAGCTGCTGCAGCACCTCAACTGTACCAAAGAGGAAGTGGAGCGACTGCTGCC-3'
Protein context (NP_116759.2, residues 77-97): FFLAELLYII[Arg87Gln]QKKLLQHLNC